The following is an entry in ClinVar:

ClinVar aggregate classification (germline): Benign/Likely benign. Review status: criteria provided, multiple submitters, no conflicts (2 of 4 stars). 3 submissions from 3 submitters: Benign (1); Likely benign (2). Last evaluated 2026-01-12.

Conditions:
Inborn genetic diseases. Identifiers: MedGen C0950123, MeSH D030342.

Allele frequency attached by ClinVar (database versions not stated): gnomAD 0.00003; 1000 Genomes Project 30x 0.00031; TOPMed 0.00002; gnomAD exomes 0.00008; ExAC 0.00067.

Submissions (3):

Labcorp Genetics (formerly Invitae), Labcorp
Classification: Benign. Last evaluated: 2026-01-12. Review status: criteria provided, single submitter. Criteria: Invitae Variant Classification Sherloc (09022015). Collection method: clinical testing. Allele origin: germline.

Ambry Genetics
Classification: Likely benign for Inborn genetic diseases. Last evaluated: 2025-11-05. Review status: criteria provided, single submitter. Criteria: Ambry Variant Classification Scheme 2023. Collection method: clinical testing. Allele origin: germline.

Mayo Clinic Laboratories, Mayo Clinic
Classification: Likely benign. Last evaluated: 2025-09-11. Review status: criteria provided, single submitter. Criteria: ACMG Guidelines, 2015. Collection method: clinical testing. Allele origin: germline. Observed: 1 variant allele.
Comment: BS1

NM_021076.4(NEFH):c.425T>C (p.Met142Thr)

Gene: NEFH (neurofilament heavy chain; plus strand). Cytogenetic location: 22q12.2.
Variant type: single nucleotide variant.
Coding change: c.425T>C on transcript NM_021076.4 (MANE Select); coding-DNA position 425, T replaced by C.
Protein change: p.Met142Thr; replaces methionine 142 with threonine.
Molecular consequence: missense variant.
Genome position (GRCh38, 1-based): chr22:29,480,687, T>C. VCF-style: chr22-29480687-T-C. GRCh37 (hg19) VCF-style: chr22-29876676-T-C.
Other names: p.Met142Thr; c.425T>C (NM_021076.3); short protein forms M142T.
Identifiers: ClinVar variation 2890838 (VCV002890838.5), dbSNP rs781195657, ClinGen allele CA10174014.
Genomic context (GRCh38, chr22:29,480,687, plus strand): 5'-ACCGCAGCCTGGAGGGCGAGGCTGCGGCGCTGCGGCAGCAGCAGGCGGGCCGCTCCGCTA[T>C]GGGCGAGCTGTACGAGCGCGAGGTCCGCGAGATGCGCGGCGCGGTGCTGCGCCTGGGCGC-3'
Protein context (NP_066554.2, residues 132-152): LRQQQAGRSA[Met142Thr]GELYEREVRE